The following is an entry in ClinVar:

NM_152443.3(RDH12):c.449-2A>G

Genes: GPHN (gephyrin; plus strand), RDH12 (retinol dehydrogenase 12; plus strand). Cytogenetic location: 14q24.1.
Variant type: single nucleotide variant.
Coding change: c.449-2A>G on transcript NM_152443.3 (MANE Select); the canonical splice acceptor site of the intron before coding-DNA position 449, A replaced by G.
Molecular consequence: splice acceptor variant.
Genome position (GRCh38, 1-based): chr14:67,726,979, A>G. VCF-style: chr14-67726979-A-G. GRCh37 (hg19) VCF-style: chr14-68193696-A-G.
Identifiers: ClinVar variation 1349207 (VCV001349207.8), dbSNP rs2140145138, ClinGen allele CA390150469.

ClinVar aggregate classification (germline): Likely pathogenic (1 of 4 stars; one submission).

Conditions:
Leber congenital amaurosis 13 (LCA13). Identifiers: MedGen C2675186, MONDO:0012990, OMIM 612712.

Submission:

Labcorp Genetics (formerly Invitae), Labcorp
Classification: Likely pathogenic for Leber congenital amaurosis 13. Last evaluated: 2021-01-29. Review status: criteria provided, single submitter. Criteria: Invitae Variant Classification Sherloc (09022015). Collection method: clinical testing. Allele origin: germline.
Comment: This sequence change affects an acceptor splice site in intron 6 of the RDH12 gene. It is expected to disrupt RNA splicing. Variants that disrupt the donor or acceptor splice site typically lead to a loss of protein function (PMID: 16199547), and loss-of-function variants in RDH12 are known to be pathogenic (PMID: 17964524, 22065924). This variant is not present in population databases (ExAC no frequency). This variant has not been reported in the literature in individuals with RDH12-related conditions. Algorithms developed to predict the effect of sequence changes on RNA splicing suggest that this variant may disrupt the consensus splice site, but this prediction has not been confirmed by published transcriptional studies. In summary, the currently available evidence indicates that the variant is pathogenic, but additional data are needed to prove that conclusively. Therefore, this variant has been classified as Likely Pathogenic.

Literature cited by the submitters: PubMed 16199547; PubMed 17964524; PubMed 22065924.